The following is an entry in ClinVar:

NC_000009.12:g.35657699G>C

Gene: RMRP (RNA component of mitochondrial RNA processing endoribonuclease; minus strand). Cytogenetic location: 9p13.3.
Variant type: single nucleotide variant.
Genome position: GRCh38 VCF-style: chr9-35657699-G-C. GRCh37 (hg19) VCF-style: chr9-35657696-G-C.
Identifiers: ClinVar variation 2142788 (VCV002142788.1), dbSNP rs1823593319, ClinGen allele CA1846127313.

ClinVar aggregate classification (germline): Uncertain significance (1 of 4 stars; one submission).

Conditions:
Anauxetic dysplasia. Identifiers: Orphanet 93347, MedGen C1846796, MONDO:0011773.

Allele frequency attached by ClinVar (database versions not stated): TOPMed below 0.00001.

Submission:

Labcorp Genetics (formerly Invitae), Labcorp
Classification: Uncertain significance for Anauxetic dysplasia. Last evaluated: 2022-10-15. Review status: criteria provided, single submitter. Criteria: Invitae Variant Classification Sherloc (09022015). Collection method: clinical testing. Allele origin: germline.
Comment: This variant occurs in the RMRP gene, which encodes an RNA molecule that does not result in a protein product. This variant is not present in population databases (gnomAD no frequency). This variant has not been reported in the literature in individuals affected with RMRP-related conditions. Experimental studies and prediction algorithms are not available or were not evaluated, and the functional significance of this variant is currently unknown. In summary, the available evidence is currently insufficient to determine the role of this variant in disease. Therefore, it has been classified as a Variant of Uncertain Significance.